The following is an entry in ClinVar:

NM_004168.4(SDHA):c.124A>G (p.Arg42Gly)

Gene: SDHA (succinate dehydrogenase complex flavoprotein subunit A; plus strand). Cytogenetic location: 5p15.33.
Variant type: single nucleotide variant.
Coding change: c.124A>G on transcript NM_004168.4 (MANE Select); coding-DNA position 124, A replaced by G.
Protein change: p.Arg42Gly; replaces arginine 42 with glycine.
Molecular consequence: missense variant.
Genome position (GRCh38, 1-based): chr5:223,542, A>G. VCF-style: chr5-223542-A-G. GRCh37 (hg19) VCF-style: chr5-223657-A-G.
Other names: c.124A>G, p.Arg42Gly (NM_001294332.2, NM_001330758.2); short protein forms R42G.
Identifiers: ClinVar variation 3223714 (VCV003223714.1), dbSNP rs2477280661, ClinGen allele CA359008227.

ClinVar aggregate classification (germline): Uncertain significance (1 of 4 stars; one submission).

Conditions:
Hereditary cancer-predisposing syndrome. Also called: Tumor predisposition; Hereditary neoplastic syndrome; Hereditary Cancer Syndrome; Neoplastic Syndromes, Hereditary. Identifiers: Orphanet 140162, MedGen C0027672, MeSH D009386, MONDO:0015356.

Submission:

Ambry Genetics
Classification: Uncertain significance for Hereditary cancer-predisposing syndrome. Last evaluated: 2024-03-06. Review status: criteria provided, single submitter. Criteria: Ambry Variant Classification Scheme 2023. Collection method: clinical testing. Allele origin: germline.
Comment: The p.R42G variant (also known as c.124A>G), located in coding exon 2 of the SDHA gene, results from an A to G substitution at nucleotide position 124. The arginine at codon 42 is replaced by glycine, an amino acid with dissimilar properties. This amino acid position is conserved. In addition, this alteration is predicted to be tolerated by in silico analysis. Based on the available evidence, the clinical significance of this alteration remains unclear.